The following is an entry in ClinVar:

NM_001352754.2(ARMC9):c.1190C>T (p.Ala397Val)

Gene: ARMC9 (armadillo repeat containing 9; plus strand). Cytogenetic location: 2q37.1.
Variant type: single nucleotide variant.
Coding change: c.1190C>T on transcript NM_001352754.2 (MANE Select); coding-DNA position 1190, C replaced by T.
Protein change: p.Ala397Val; replaces alanine 397 with valine.
Molecular consequence: missense variant. On other transcripts: non-coding transcript variant (1).
Genome position (GRCh38, 1-based): chr2:231,271,052, C>T. VCF-style: chr2-231271052-C-T. GRCh37 (hg19) VCF-style: chr2-232135765-C-T.
Other names: c.1190C>T (NM_025139.3); c.1190C>T, p.Ala397Val (NM_001271466.4, NM_001291656.2, NM_001352755.2 and 3 more transcripts); c.1091C>T, p.Ala364Val (NM_001352757.2, NM_001352758.2); short protein forms A364V, A397V.
Identifiers: ClinVar variation 1008859 (VCV001008859.7), dbSNP rs746581446, ClinGen allele CA2160225.
Genomic context (GRCh38, chr2:231,271,052, plus strand): 5'-TTCAGTTGCTGCACTCCACGAGCGACGTGGTGCGGCAGTACATGGCCAGGCTCATCAATG[C>T]TTTTGCGTCACTGGCAGAAGGTGAGACATCAGCTTTGCTTCAAAGATAAGAGCTAGGTCA-3'
Protein context (NP_001339683.2, residues 387-407): VRQYMARLIN[Ala397Val]FASLAEGRLY

ClinVar aggregate classification (germline): Uncertain significance. Review status: criteria provided, multiple submitters, no conflicts (2 of 4 stars). 2 submissions from 2 submitters: Uncertain significance (2). Last evaluated 2023-11-21.

Conditions:
Inborn genetic diseases. Identifiers: MedGen C0950123, MeSH D030342.

Allele frequency attached by ClinVar (database versions not stated): ExAC 0.00001; gnomAD exomes 0.00001 and 0.00002; TOPMed 0.00005; gnomAD 0.00001.
gnomAD v4.1: 8 of 1,614,026 alleles (0.0005%); highest among the groups gnomAD compares: Admixed American, 0.0083%; no homozygotes.

Submissions (2):

Ambry Genetics
Classification: Uncertain significance for Inborn genetic diseases. Last evaluated: 2023-11-21. Review status: criteria provided, single submitter. Criteria: Ambry Variant Classification Scheme 2023. Collection method: clinical testing. Allele origin: germline.

Labcorp Genetics (formerly Invitae), Labcorp
Classification: Uncertain significance. Last evaluated: 2022-09-01. Review status: criteria provided, single submitter. Criteria: Invitae Variant Classification Sherloc (09022015). Collection method: clinical testing. Allele origin: germline.
Comment: In summary, the available evidence is currently insufficient to determine the role of this variant in disease. Therefore, it has been classified as a Variant of Uncertain Significance. Experimental studies and prediction algorithms are not available or were not evaluated, and the functional significance of this variant is currently unknown. ClinVar contains an entry for this variant (Variation ID: 1008859). This variant has not been reported in the literature in individuals affected with ARMC9-related conditions. This variant is present in population databases (rs746581446, gnomAD 0.009%). This sequence change replaces alanine, which is neutral and non-polar, with valine, which is neutral and non-polar, at codon 397 of the ARMC9 protein (p.Ala397Val).